The following is an entry in ClinVar:

NM_030930.4(UNC93B1):c.1717C>G (p.Pro573Ala)

Gene: UNC93B1 (unc-93B1 regulator of TLR signaling; minus strand). Cytogenetic location: 11q13.2.
Variant type: single nucleotide variant.
Coding change: c.1717C>G on transcript NM_030930.4 (MANE Select); coding-DNA position 1717, C replaced by G.
Protein change: p.Pro573Ala; replaces proline 573 with alanine.
Molecular consequence: missense variant.
Genome position (GRCh38, 1-based): chr11:67,991,623, G>C on the plus strand (C>G on the coding strand, the complement: UNC93B1 is on the minus strand). VCF-style: chr11-67991623-G-C. GRCh37 (hg19) VCF-style: chr11-67759094-G-C.
Other names: short protein forms P573A.
Identifiers: ClinVar variation 950015 (VCV000950015.11), dbSNP rs773995088, ClinGen allele CA224210664.

ClinVar aggregate classification (germline): Uncertain significance. Review status: criteria provided, multiple submitters, no conflicts (2 of 4 stars). 2 submissions from 2 submitters: Uncertain significance (2). Last evaluated 2022-09-27.

Conditions:
Encephalopathy, acute, infection-induced (herpes-specific), susceptibility to, 1. Also called: Herpes simplex encephalitis, susceptibility to, 1. Identifiers: Orphanet 1930, MedGen C2750180, MONDO:0024563, OMIM 610551.

Allele frequency attached by ClinVar (database versions not stated): TOPMed 0.00006; gnomAD exomes 0.00009 and 0.00002.

Submissions (2):

Blueprint Genetics
Classification: Uncertain significance. Last evaluated: 2022-09-27. Review status: criteria provided, single submitter. Criteria: ACMG Guidelines, 2015. Collection method: clinical testing. Allele origin: germline.

Labcorp Genetics (formerly Invitae), Labcorp
Classification: Uncertain significance for Encephalopathy, acute, infection-induced (herpes-specific), susceptibility to, 1. Last evaluated: 2022-03-10. Review status: criteria provided, single submitter. Criteria: Invitae Variant Classification Sherloc (09022015). Collection method: clinical testing. Allele origin: germline.
Comment: In summary, the available evidence is currently insufficient to determine the role of this variant in disease. Therefore, it has been classified as a Variant of Uncertain Significance. ClinVar contains an entry for this variant (Variation ID: 950015). This variant has not been reported in the literature in individuals affected with UNC93B1-related conditions. This variant is present in population databases (rs773995088, gnomAD 0.009%). This sequence change replaces proline, which is neutral and non-polar, with alanine, which is neutral and non-polar, at codon 573 of the UNC93B1 protein (p.Pro573Ala).